The following is an entry in ClinVar:

NM_020987.5(ANK3):c.612A>G (p.Pro204=)

Gene: ANK3 (ankyrin 3; minus strand). Cytogenetic location: 10q21.2.
Variant type: single nucleotide variant.
Coding change: c.612A>G on transcript NM_020987.5 (MANE Select); coding-DNA position 612, A replaced by G.
Protein change: p.Pro204=; no amino-acid change (proline 204 retained).
Molecular consequence: synonymous variant.
Genome position (GRCh38, 1-based): chr10:60,263,922, T>C on the plus strand (A>G on the coding strand, the complement: ANK3 is on the minus strand). VCF-style: chr10-60263922-T-C. GRCh37 (hg19) VCF-style: chr10-62023680-T-C.
Other names: c.594A>G, p.Pro198= (NM_001204403.2); c.561A>G, p.Pro187= (NM_001204404.2); c.612A>G, p.Pro204= (NM_001320874.2); c.612A>G (NM_020987.4).
Identifiers: ClinVar variation 2070726 (VCV002070726.22), dbSNP rs142331094, ClinGen allele CA5513372.

ClinVar aggregate classification (germline): Likely benign. Review status: criteria provided, multiple submitters, no conflicts (2 of 4 stars). 3 submissions from 3 submitters: Likely benign (2). 1 of the submissions does not count toward it. Last evaluated 2024-07-01.

Conditions:
ANK3-related disorder. Also called: ANK3-related condition.

Allele frequency attached by ClinVar (database versions not stated): TOPMed 0.00002; gnomAD 0.00003; ExAC 0.00005; gnomAD exomes 0.00007; ESP Exome Variant Server 0.00008; 1000 Genomes Project 30x 0.00016; 1000 Genomes Project 0.00020.
gnomAD v4.1: 101 of 1,614,106 alleles (0.0063%); highest among the groups gnomAD compares: South Asian, 0.0099%; no homozygotes.

Submissions (3):

CeGaT Center for Human Genetics Tuebingen
Classification: Likely benign. Last evaluated: 2024-07-01. Review status: criteria provided, single submitter. Criteria: CeGaT Center For Human Genetics Tuebingen Variant Classification Criteria Version 2. Collection method: clinical testing. Allele origin: germline. Affected: yes. Observed: 1 variant allele.
Comment: ANK3: BP4, BP7

Labcorp Genetics (formerly Invitae), Labcorp
Classification: Likely benign. Last evaluated: 2022-08-19. Review status: criteria provided, single submitter. Criteria: Invitae Variant Classification Sherloc (09022015). Collection method: clinical testing. Allele origin: germline.

PreventionGenetics, part of Exact Sciences
Classification: Likely benign for ANK3-related condition. Last evaluated: 2020-02-17. Review status: no assertion criteria provided. Collection method: clinical testing. Allele origin: germline. Not counted in ClinVar's aggregate classification.
Comment: This variant is classified as likely benign based on ACMG/AMP sequence variant interpretation guidelines (Richards et al. 2015 PMID: 25741868, with internal and published modifications).